The following is an entry in ClinVar:

NM_003073.5(SMARCB1):c.746C>A (p.Pro249His)

Gene: SMARCB1 (SWI/SNF related BAF chromatin remodeling complex subunit B1; plus strand). Cytogenetic location: 22q11.23.
Variant type: single nucleotide variant.
Coding change: c.746C>A on transcript NM_003073.5 (MANE Select); coding-DNA position 746, C replaced by A.
Protein change: p.Pro249His; replaces proline 249 with histidine.
Molecular consequence: missense variant.
Genome position (GRCh38, 1-based): chr22:23,816,887, C>A. VCF-style: chr22-23816887-C-A. GRCh37 (hg19) VCF-style: chr22-24159074-C-A.
Other names: c.719C>A, p.Pro240His (NM_001007468.3); c.773C>A, p.Pro258His (NM_001317946.2); c.800C>A, p.Pro267His (NM_001362877.2); short protein forms P267H, P249H, P240H, P258H.
Identifiers: ClinVar variation 5029943 (VCV005029943.1).

ClinVar aggregate classification (germline): Uncertain significance (1 of 4 stars; one submission).

Conditions:
Hereditary cancer-predisposing syndrome. Also called: Neoplastic Syndromes, Hereditary; Tumor predisposition; Hereditary neoplastic syndrome; Hereditary Cancer Syndrome. Identifiers: Orphanet 140162, MedGen C0027672, MeSH D009386, MONDO:0015356.

Submission:

Ambry Genetics
Classification: Uncertain significance for Hereditary cancer-predisposing syndrome. Last evaluated: 2026-08-13. Review status: criteria provided, single submitter. Criteria: Ambry Variant Classification Scheme 2023. Collection method: clinical testing. Allele origin: germline.
Comment: The p.P249H variant (also known as c.746C>A), located in coding exon 6 of the SMARCB1 gene, results from a C to A substitution at nucleotide position 746. The proline at codon 249 is replaced by histidine, an amino acid with similar properties. This amino acid position is conserved. In addition, the in silico prediction for this alteration is inconclusive. Based on the available evidence, the clinical significance of this variant remains unclear.